The following is an entry in ClinVar:

ClinVar aggregate classification (germline): Uncertain significance (1 of 4 stars; one submission).

gnomAD v4.1: 1 of 1,427,032 alleles (0.00007%); highest among the groups gnomAD compares: South Asian, 0.0017%; no homozygotes.

Submission:

Labcorp Genetics (formerly Invitae), Labcorp
Classification: Uncertain significance. Last evaluated: 2024-05-16. Review status: criteria provided, single submitter. Criteria: Invitae Variant Classification Sherloc (09022015). Collection method: clinical testing. Allele origin: germline.
Comment: This sequence change replaces arginine, which is basic and polar, with threonine, which is neutral and polar, at codon 214 of the RNF13 protein (p.Arg214Thr). This variant is not present in population databases (gnomAD no frequency). This variant has not been reported in the literature in individuals affected with RNF13-related conditions. Advanced modeling of protein sequence and biophysical properties (such as structural, functional, and spatial information, amino acid conservation, physicochemical variation, residue mobility, and thermodynamic stability) has been performed at Invitae for this missense variant, however the output from this modeling did not meet the statistical confidence thresholds required to predict the impact of this variant on RNF13 protein function. In summary, the available evidence is currently insufficient to determine the role of this variant in disease. Therefore, it has been classified as a Variant of Uncertain Significance.

NM_183381.3(RNF13):c.641G>C (p.Arg214Thr)

Gene: RNF13 (ring finger protein 13; plus strand). Cytogenetic location: 3q25.1.
Variant type: single nucleotide variant.
Coding change: c.641G>C on transcript NM_183381.3 (MANE Select); coding-DNA position 641, G replaced by C.
Protein change: p.Arg214Thr; replaces arginine 214 with threonine.
Molecular consequence: missense variant. On other transcripts: non-coding transcript variant (1).
Genome position (GRCh38, 1-based): chr3:149,921,168, G>C. VCF-style: chr3-149921168-G-C. GRCh37 (hg19) VCF-style: chr3-149638955-G-C.
Other names: c.641G>C, p.Arg214Thr (NM_001378285.1, NM_001378286.1, NM_007282.4); c.284G>C, p.Arg95Thr (NM_001378287.1, NM_001378288.1, NM_001378289.1 and 2 more transcripts); c.248G>C, p.Arg83Thr (NM_001378291.1); short protein forms R214T, R83T, R95T.
Identifiers: ClinVar variation 3673821 (VCV003673821.2).